The following is an entry in ClinVar:

ClinVar aggregate classification (germline): Pathogenic (1 of 4 stars; one submission).

Submission:

Labcorp Genetics (formerly Invitae), Labcorp
Classification: Pathogenic. Last evaluated: 2022-10-21. Review status: criteria provided, single submitter. Criteria: Invitae Variant Classification Sherloc (09022015). Collection method: clinical testing. Allele origin: germline.
Comment: For these reasons, this variant has been classified as Pathogenic. This premature translational stop signal has been observed in individual(s) with retinitis pigmentosa (PMID: 23591405). This variant is not present in population databases (gnomAD no frequency). This sequence change creates a premature translational stop signal (p.His226Thrfs*2) in the PDE6A gene. It is expected to result in an absent or disrupted protein product. Loss-of-function variants in PDE6A are known to be pathogenic (PMID: 7493036, 22128245, 23847139).

Literature cited by the submitters: PubMed 23591405; PubMed 7493036; PubMed 22128245; PubMed 23847139.

NM_000440.3(PDE6A):c.676del (p.His226fs)

Gene: PDE6A (phosphodiesterase 6A; minus strand). Cytogenetic location: 5q32.
Variant type: Deletion.
Coding change: c.676del on transcript NM_000440.3 (MANE Select); coding-DNA position 676, one base deleted (C; older notation c.676delC).
Protein change: p.His226fs; shifts the reading frame from histidine 226.
Molecular consequence: frameshift variant.
Genome position (GRCh38, 1-based): chr5:149,933,971, G deleted on the plus strand (C on the coding strand, the reverse complement: PDE6A is on the minus strand); the first of 2 consecutive G bases (chr5:149,933,971-149,933,972); deleting either gives the same sequence. VCF-style (leftmost placement, unchanged base first): chr5-149933970-TG-T. GRCh37 (hg19) VCF-style: chr5-149313533-TG-T.
Other names: short protein forms H226fs.
Identifiers: ClinVar variation 2136341 (VCV002136341.4), dbSNP rs2480685391, ClinGen allele CA2578449351.